The following is an entry in ClinVar:

NM_005982.4(SIX1):c.1A>C (p.Met1Leu)

Gene: SIX1 (SIX homeobox 1; minus strand). Cytogenetic location: 14q23.1.
Variant type: single nucleotide variant.
Coding change: c.1A>C on transcript NM_005982.4 (MANE Select); coding-DNA position 1, A replaced by C.
Protein change: p.Met1Leu; changes the start codon (methionine 1).
Molecular consequence: missense variant, initiator codon variant.
Genome position (GRCh38, 1-based): chr14:60,649,189, T>G on the plus strand (A>C on the coding strand, the complement: SIX1 is on the minus strand). VCF-style: chr14-60649189-T-G. GRCh37 (hg19) VCF-style: chr14-61115907-T-G.
Other names: short protein forms M1L.
Identifiers: ClinVar variation 983026 (VCV000983026.3), dbSNP rs1895013419, ClinGen allele CA389911261.

ClinVar aggregate classification (germline): Conflicting classifications of pathogenicity. Review status: criteria provided, conflicting classifications (1 of 4 stars). 2 submissions from 1 submitter: Uncertain significance (1); Benign (1). Last evaluated 2020-06-26.

Conditions:
Branchiootic syndrome 3 (BOS3). Also called: BO SYNDROME 3. Identifiers: MedGen C1842124, MONDO:0012025, OMIM 608389.
Autosomal dominant nonsyndromic hearing loss 23. Identifiers: Orphanet 90635, MedGen C1854594, MONDO:0011519, OMIM 605192.

Submissions (2):

Institute of Human Genetics, University of Leipzig Medical Center
Classification: Benign for Autosomal dominant nonsyndromic hearing loss 23. Last evaluated: 2020-06-26. Review status: criteria provided, single submitter. Criteria: ACMG Guidelines, 2015. Collection method: clinical testing. Allele origin: paternal. Inheritance: Autosomal dominant inheritance. Affected: yes.
Comment: Criteria applied: BS1, BS2

Institute of Human Genetics, University of Leipzig Medical Center
Classification: Uncertain significance for Branchiootic syndrome 3. Last evaluated: 2019-01-01. Review status: criteria provided, single submitter. Criteria: ACMG Guidelines, 2015. Collection method: clinical testing. Allele origin: unknown. Affected: yes.